The following is an entry in ClinVar:

ClinVar aggregate classification (germline): Uncertain significance. Review status: criteria provided, multiple submitters, no conflicts (2 of 4 stars). 4 submissions from 4 submitters: Uncertain significance (3). 1 of the submissions does not count toward it. Last evaluated 2023-04-11.

Conditions:
Hereditary insensitivity to pain with anhidrosis (CIPA). Also called: HSAN Type IV; NTRK1 Congenital Insensitivity to Pain with Anhidrosis; hereditary sensory and autonomic neuropathy type 4; FAMILIAL DYSAUTONOMIA, TYPE II; NEUROPATHY, CONGENITAL SENSORY, WITH ANHIDROSIS; INSENSITIVITY TO PAIN, CONGENITAL, WITH ANHIDROSIS. Identifiers: Orphanet 642, MedGen C0020074, MONDO:0009746, OMIM 256800.

Allele frequency attached by ClinVar (database versions not stated): TOPMed 0.00002; ExAC 0.00004; 1000 Genomes Project 30x 0.00016; 1000 Genomes Project 0.00020.
gnomAD v4.1: 19 of 1,612,138 alleles (0.0012%); highest among the groups gnomAD compares: Admixed American, 0.0067%; no homozygotes.

Submissions (4):

Genome-Nilou Lab
Classification: Uncertain significance for Hereditary insensitivity to pain with anhidrosis. Last evaluated: 2023-04-11. Review status: criteria provided, single submitter. Criteria: ACMG Guidelines, 2015. Collection method: clinical testing. Allele origin: germline. Affected: no.

Labcorp Genetics (formerly Invitae), Labcorp
Classification: Uncertain significance for Hereditary insensitivity to pain with anhidrosis. Last evaluated: 2022-03-26. Review status: criteria provided, single submitter. Criteria: Invitae Variant Classification Sherloc (09022015). Collection method: clinical testing. Allele origin: germline.
Comment: This sequence change replaces arginine, which is basic and polar, with cysteine, which is neutral and slightly polar, at codon 347 of the NTRK1 protein (p.Arg347Cys). This variant is present in population databases (rs561243137, gnomAD 0.01%). This variant has not been reported in the literature in individuals affected with NTRK1-related conditions. ClinVar contains an entry for this variant (Variation ID: 842977). Advanced modeling of protein sequence and biophysical properties (such as structural, functional, and spatial information, amino acid conservation, physicochemical variation, residue mobility, and thermodynamic stability) performed at Invitae indicates that this missense variant is expected to disrupt NTRK1 protein function. In summary, the available evidence is currently insufficient to determine the role of this variant in disease. Therefore, it has been classified as a Variant of Uncertain Significance.

Fulgent Genetics
Classification: Uncertain significance for Hereditary insensitivity to pain with anhidrosis. Last evaluated: 2021-07-27. Review status: criteria provided, single submitter. Criteria: ACMG Guidelines, 2015. Collection method: clinical testing. Allele origin: unknown.

Natera, Inc.
Classification: Uncertain significance for Hereditary insensitivity to pain with anhidrosis. Last evaluated: 2020-02-21. Review status: no assertion criteria provided. Collection method: clinical testing. Allele origin: germline. Not counted in ClinVar's aggregate classification.

NM_002529.4(NTRK1):c.1039C>T (p.Arg347Cys)

Gene: NTRK1 (neurotrophic receptor tyrosine kinase 1; plus strand). Cytogenetic location: 1q23.1.
Variant type: single nucleotide variant.
Coding change: c.1039C>T on transcript NM_002529.4 (MANE Select); coding-DNA position 1039, C replaced by T.
Protein change: p.Arg347Cys; replaces arginine 347 with cysteine.
Molecular consequence: missense variant.
Genome position (GRCh38, 1-based): chr1:156,873,821, C>T. VCF-style: chr1-156873821-C-T. GRCh37 (hg19) VCF-style: chr1-156843613-C-T.
Other names: c.949C>T, p.Arg317Cys (NM_001007792.1); c.1039C>T, p.Arg347Cys (NM_001012331.2); short protein forms R317C, R347C.
Identifiers: ClinVar variation 842977 (VCV000842977.7), dbSNP rs561243137, ClinGen allele CA1169174.